The following is an entry in ClinVar:

ClinVar aggregate classification (germline): Uncertain significance (1 of 4 stars; one submission).

Submission:

Labcorp Genetics (formerly Invitae), Labcorp
Classification: Uncertain significance. Last evaluated: 2022-01-02. Review status: criteria provided, single submitter. Criteria: Invitae Variant Classification Sherloc (09022015). Collection method: clinical testing. Allele origin: germline.
Comment: This sequence change replaces leucine, which is neutral and non-polar, with glycine, which is neutral and non-polar, at codon 294 of the SCP2 protein (p.Leu294Gly). This variant is present in population databases (no rsID available, gnomAD 0.08%). This variant has not been reported in the literature in individuals affected with SCP2-related conditions. Algorithms developed to predict the effect of missense changes on protein structure and function are either unavailable or do not agree on the potential impact of this missense change (SIFT: "Not Available"; PolyPhen-2: "Probably Damaging"; Align-GVGD: "Not Available"). In summary, the available evidence is currently insufficient to determine the role of this variant in disease. Therefore, it has been classified as a Variant of Uncertain Significance.

NM_002979.5(SCP2):c.880_881delinsGG (p.Leu294Gly)

Gene: SCP2 (sterol carrier protein 2; plus strand). Cytogenetic location: 1p32.3.
Variant type: Indel.
Coding change: c.880_881delinsGG on transcript NM_002979.5 (MANE Select); coding-DNA positions 880 to 881, CT replaced by GG.
Protein change: p.Leu294Gly; replaces leucine 294 with glycine.
Molecular consequence: missense variant.
Genome position (GRCh38, 1-based): chr1:52,980,450-52,980,451, CT replaced by GG. VCF-style: chr1-52980450-CT-GG. GRCh37 (hg19) VCF-style: chr1-53446122-CT-GG.
Other names: c.748_749delinsGG, p.Leu250Gly (NM_001007098.3, NM_001193600.2); c.808_809delinsGG, p.Leu270Gly (NM_001193599.2); c.637_638delinsGG, p.Leu213Gly (NM_001193617.2); c.880_881delinsGG, p.Leu294Gly (NM_001330587.2); short protein forms L213G, L294G, L270G, L250G.
Identifiers: ClinVar variation 1943440 (VCV001943440.2), dbSNP rs2524690185, ClinGen allele CA2580063025.